The following is an entry in ClinVar:

NM_001382.4(DPAGT1):c.215G>A (p.Cys72Tyr)

Genes: DPAGT1 (dolichyl-phosphate N-acetylglucosaminephosphotransferase 1; minus strand), LOC126861360 (BRD4-independent group 4 enhancer GRCh37_chr11:118972216-118973415; plus strand). Cytogenetic location: 11q23.3.
Variant type: single nucleotide variant.
Coding change: c.215G>A on transcript NM_001382.4 (MANE Select); coding-DNA position 215, G replaced by A.
Protein change: p.Cys72Tyr; replaces cysteine 72 with tyrosine.
Molecular consequence: missense variant.
Genome position (GRCh38, 1-based): chr11:119,101,085, C>T on the plus strand (G>A on the coding strand, the complement: DPAGT1 is on the minus strand). VCF-style: chr11-119101085-C-T. GRCh37 (hg19) VCF-style: chr11-118971795-C-T.
Other names: short protein forms C72Y.
Identifiers: ClinVar variation 1384242 (VCV001384242.6), dbSNP rs1274896616, ClinGen allele CA382915940.

ClinVar aggregate classification (germline): Uncertain significance (1 of 4 stars; one submission).

Conditions:
Congenital myasthenic syndrome 13 (CMS13). Also called: Myasthenic syndrome, congenital, with tubular aggregates 2; Myasthenic syndrome, congenital, 13, with tubular aggregates. Identifiers: Orphanet 353327, Orphanet 590, MedGen C3553645, MONDO:0013883, OMIM 614750.
DPAGT1-congenital disorder of glycosylation. Also called: CONGENITAL DISORDER OF GLYCOSYLATION, TYPE Ij; DPAGT1-CDG; CDG Ij. Identifiers: Orphanet 86309, MedGen C2931004, MONDO:0011964, OMIM 608093.

Submission:

Labcorp Genetics (formerly Invitae), Labcorp
Classification: Uncertain significance for Congenital myasthenic syndrome 13; DPAGT1-congenital disorder of glycosylation. Last evaluated: 2021-10-03. Review status: criteria provided, single submitter. Criteria: Invitae Variant Classification Sherloc (09022015). Collection method: clinical testing. Allele origin: germline.
Comment: In summary, the available evidence is currently insufficient to determine the role of this variant in disease. Therefore, it has been classified as a Variant of Uncertain Significance. Algorithms developed to predict the effect of missense changes on protein structure and function (SIFT, PolyPhen-2, Align-GVGD) all suggest that this variant is likely to be tolerated. This variant has not been reported in the literature in individuals affected with DPAGT1-related conditions. This variant is not present in population databases (ExAC no frequency). This sequence change replaces cysteine with tyrosine at codon 72 of the DPAGT1 protein (p.Cys72Tyr). The cysteine residue is moderately conserved and there is a large physicochemical difference between cysteine and tyrosine.